The following is an entry in ClinVar:

NM_005476.7(GNE):c.1282-3_1282-2insGTTGTTTTCTCTTTTTTTTTTATTAGGGGGGTCTGGGGGTGGGGCGGGGGGTTTCACCTTGTTAGCCAGGATGGTCTCGATCTCCTGACCTCATGATCCACCCGCCTCGG

Gene: GNE (glucosamine (UDP-N-acetyl)-2-epimerase/N-acetylmannosamine kinase; minus strand). Cytogenetic location: 9p13.3.
Variant type: Microsatellite.
Coding change: c.1282-3_1282-2insGTTGTTTTCTCTTTTTTTTTTATTAGGGGGGTCTGGGGGTGGGGCGGGGGGTTTCACCTTGTTAGCCAGGATGGTCTCGATCTCCTGACCTCATGATCCACCCGCCTCGG on transcript NM_005476.7 (MANE Select); 3 bases into the intron before coding-DNA position 1282 through the canonical splice acceptor site of the intron before coding-DNA position 1282, GTTGTTTTCTCTTTTTTTTTTATTAGGGGGGTCTGGGGGTGGGGCGGGGGGTTTCACCTTGTTAGCCAGGATGGTCTCGATCTCCTGACCTCATGATCCACCCGCCTCGG inserted.
Molecular consequence: intron variant.
Genome position: GRCh38: chr9:36,223,505-36,223,519. GRCh37 (hg19): chr9:36,223,502-36,223,516.
Other names: c.1105-3_1105-2insGTTGTTTTCTCTTTTTTTTTTATTAGGGGGGTCTGGGGGTGGGGCGGGGGGTTTCACCTTGTTAGCCAGGATGGTCTCGATCTCCTGACCTCATGATCCACCCGCCTCGG (NM_001190388.2, NM_001374798.1); c.1375-3_1375-2insGTTGTTTTCTCTTTTTTTTTTATTAGGGGGGTCTGGGGGTGGGGCGGGGGGTTTCACCTTGTTAGCCAGGATGGTCTCGATCTCCTGACCTCATGATCCACCCGCCTCGG (NM_001128227.3); c.952-3_952-2insGTTGTTTTCTCTTTTTTTTTTATTAGGGGGGTCTGGGGGTGGGGCGGGGGGTTTCACCTTGTTAGCCAGGATGGTCTCGATCTCCTGACCTCATGATCCACCCGCCTCGG (NM_001190384.3); c.1129-3_1129-2insGTTGTTTTCTCTTTTTTTTTTATTAGGGGGGTCTGGGGGTGGGGCGGGGGGTTTCACCTTGTTAGCCAGGATGGTCTCGATCTCCTGACCTCATGATCCACCCGCCTCGG (NM_001374797.1); c.1282-3_1282-2insGTTGTTTTCTCTTTTTTTTTTATTAGGGGGGTCTGGGGGTGGGGCGGGGGGTTTCACCTTGTTAGCCAGGATGGTCTCGATCTCCTGACCTCATGATCCACCCGCCTCGG (NM_001190383.3).
Identifiers: ClinVar variation 2119370 (VCV002119370.4).

ClinVar aggregate classification (germline): Uncertain significance (1 of 4 stars; one submission).

Conditions:
Sialuria. Also called: SIALURIA, FRENCH TYPE; Sialic Acid Storage Disease. Identifiers: Orphanet 3166, MedGen C0342853, MONDO:0010028, OMIM 269921.
GNE myopathy (NM). Also called: INCLUSION BODY MYOPATHY, HEREDITARY, AUTOSOMAL RECESSIVE; INCLUSION BODY MYOPATHY 2, AUTOSOMAL RECESSIVE; MYOPATHY, DISTAL, WITH OR WITHOUT RIMMED VACUOLES; IBM 2; Inclusion body myopathy autosomal recessive; Inclusion body myopathy quadriceps sparing. Identifiers: Orphanet 602, MedGen C1853926, MONDO:0011603, OMIM 605820.

Submission:

Labcorp Genetics (formerly Invitae), Labcorp
Classification: Uncertain significance for Sialuria; GNE myopathy. Last evaluated: 2024-10-23. Review status: criteria provided, single submitter. Criteria: Invitae Variant Classification Sherloc (09022015). Collection method: clinical testing. Allele origin: germline.
Comment: This sequence change falls in intron 7 of the GNE gene. It does not directly change the encoded amino acid sequence of the GNE protein. It affects a nucleotide within the consensus splice site. This variant is not present in population databases (gnomAD no frequency). This variant has not been reported in the literature in individuals affected with GNE-related conditions. Variants that disrupt the consensus splice site are a relatively common cause of aberrant splicing (PMID: 17576681, 9536098). In summary, the available evidence is currently insufficient to determine the role of this variant in disease. Therefore, it has been classified as a Variant of Uncertain Significance.

Literature cited by the submitters: PubMed 17576681; PubMed 9536098.